The following is an entry in ClinVar:

NM_001376.5(DYNC1H1):c.13158C>A (p.Asn4386Lys)

Gene: DYNC1H1 (dynein cytoplasmic 1 heavy chain 1; plus strand). Cytogenetic location: 14q32.31.
Variant type: single nucleotide variant.
Coding change: c.13158C>A on transcript NM_001376.5 (MANE Select); coding-DNA position 13158, C replaced by A.
Protein change: p.Asn4386Lys; replaces asparagine 4386 with lysine.
Molecular consequence: missense variant.
Genome position (GRCh38, 1-based): chr14:102,047,968, C>A. VCF-style: chr14-102047968-C-A. GRCh37 (hg19) VCF-style: chr14-102514305-C-A.
Other names: short protein forms N4386K.
Identifiers: ClinVar variation 3636192 (VCV003636192.2).

ClinVar aggregate classification (germline): Uncertain significance (1 of 4 stars; one submission).

Conditions:
Charcot-Marie-Tooth disease axonal type 2O. Also called: Charcot-Marie-Tooth disease, axonal, type 20; CHARCOT-MARIE-TOOTH NEUROPATHY, AXONAL, TYPE 2O; CHARCOT-MARIE-TOOTH DISEASE, AXONAL, AUTOSOMAL DOMINANT, TYPE 2O; Charcot-Marie-Tooth Neuropathy Type 2O. Identifiers: Orphanet 284232, MedGen C3280220, MONDO:0013644, OMIM 614228.

Submission:

Labcorp Genetics (formerly Invitae), Labcorp
Classification: Uncertain significance for Charcot-Marie-Tooth disease axonal type 2O. Last evaluated: 2024-08-19. Review status: criteria provided, single submitter. Criteria: Invitae Variant Classification Sherloc (09022015). Collection method: clinical testing. Allele origin: germline.
Comment: This sequence change replaces asparagine, which is neutral and polar, with lysine, which is basic and polar, at codon 4386 of the DYNC1H1 protein (p.Asn4386Lys). This variant is not present in population databases (gnomAD no frequency). This variant has not been reported in the literature in individuals affected with DYNC1H1-related conditions. Invitae Evidence Modeling of protein sequence and biophysical properties (such as structural, functional, and spatial information, amino acid conservation, physicochemical variation, residue mobility, and thermodynamic stability) indicates that this missense variant is not expected to disrupt DYNC1H1 protein function with a negative predictive value of 95%. In summary, the available evidence is currently insufficient to determine the role of this variant in disease. Therefore, it has been classified as a Variant of Uncertain Significance.